The following is an entry in ClinVar:

ClinVar aggregate classification (germline): Uncertain significance (1 of 4 stars; one submission).

Conditions:
SRSF3-related condition.

Submission:

PreventionGenetics, part of Exact Sciences
Classification: Uncertain significance for SRSF3-related condition. Last evaluated: 2025-01-09. Review status: criteria provided, single submitter. Criteria: ACMG Guidelines, 2015. Collection method: clinical testing. Allele origin: germline.
Comment: The SRSF3 c.461C>T variant is predicted to result in the amino acid substitution p.Ser154Phe. To our knowledge, this variant has not been reported in the literature or in a large population database (gnomAD), indicating this variant is rare. At this time, the clinical significance of this variant is uncertain due to the absence of conclusive functional and genetic evidence.

NM_003017.5(SRSF3):c.461C>T (p.Ser154Phe)

Gene: SRSF3 (serine and arginine rich splicing factor 3; plus strand). Cytogenetic location: 6p21.2.
Variant type: single nucleotide variant.
Coding change: c.461C>T on transcript NM_003017.5 (MANE Select); coding-DNA position 461, C replaced by T.
Protein change: p.Ser154Phe; replaces serine 154 with phenylalanine.
Molecular consequence: missense variant. On other transcripts: non-coding transcript variant (1).
Genome position (GRCh38, 1-based): chr6:36,601,788, C>T. VCF-style: chr6-36601788-C-T. GRCh37 (hg19) VCF-style: chr6-36569565-C-T.
Other names: short protein forms S154F.
Identifiers: ClinVar variation 4987753 (VCV004987753.1).
Genomic context (GRCh38, chr6:36,601,788, plus strand): 5'-GAAGAGAGAGATCGCTGTCTCGGGAGAGAAATCACAAGCCGTCCCGATCCTTCTCTAGGT[C>T]TCGTAGGTAAGATCTTTGATAACTTGTATTTAAGACTTTGCATACATAGTATGCTAAGGC-3'
Protein context (NP_003008.1, residues 144-164): NHKPSRSFSR[Ser154Phe]RSRSRSNERK